The following is an entry in ClinVar:

ClinVar aggregate classification (germline): Pathogenic (1 of 4 stars; one submission).

Conditions:
Bethlem myopathy 1A. Also called: Bethlem myopathy 1; Bethlem Muscular Dystrophy; MYOPATHY, BENIGN CONGENITAL, WITH CONTRACTURES. Identifiers: Orphanet 610, MedGen CN029274, MONDO:0024530, OMIM 158810.

Submission:

Labcorp Genetics (formerly Invitae), Labcorp
Classification: Pathogenic for Bethlem myopathy 1A. Last evaluated: 2020-11-02. Review status: criteria provided, single submitter. Criteria: Invitae Variant Classification Sherloc (09022015). Collection method: clinical testing. Allele origin: germline.
Comment: For these reasons, this variant has been classified as Pathogenic. This variant disrupts the triple helix domain of COL6A1. Glycine residues within the Gly-Xaa-Yaa repeats of the triple helix domain are required for the structure and stability of fibrillar collagens (PMID: 7695699, 8218237, 19344236). In COL6A1, variants at these glycine residues are significantly enriched in individuals with disease (PMID: 15689448, 24038877) compared to the general population (ExAC). This variant has not been reported in the literature in individuals with COL6A1-related conditions. This variant is a gross deletion of the genomic region encompassing exon(s) 7-8 of the COL6A1 gene. This variant would be expected to be in-frame, preserving the integrity of the reading frame.

Literature cited by the submitters: PubMed 7695699; PubMed 8218237; PubMed 19344236; PubMed 15689448; PubMed 24038877.

NC_000021.8:g.(?_47407403)_(47407578_?)del

Gene: COL6A1 (collagen type VI alpha 1 chain; plus strand). Cytogenetic location: 21q22.3.
Variant type: Deletion.
Identifiers: ClinVar variation 1459415 (VCV001459415.8).